The following is an entry in ClinVar:

ClinVar aggregate classification (germline): Uncertain significance (1 of 4 stars; one submission).

Conditions:
Hereditary cancer-predisposing syndrome. Also called: Neoplastic Syndromes, Hereditary; Hereditary Cancer Syndrome; Tumor predisposition; Hereditary neoplastic syndrome. Identifiers: Orphanet 140162, MedGen C0027672, MeSH D009386, MONDO:0015356.

Submission:

Ambry Genetics
Classification: Uncertain significance for Hereditary cancer-predisposing syndrome. Last evaluated: 2022-12-26. Review status: criteria provided, single submitter. Criteria: Ambry Variant Classification Scheme 2023. Collection method: clinical testing. Allele origin: germline.
Comment: The p.Y8H variant (also known as c.22T>C), located in coding exon 1 of the PHOX2B gene, results from a T to C substitution at nucleotide position 22. The tyrosine at codon 8 is replaced by histidine, an amino acid with similar properties. This amino acid position is conserved. In addition, this alteration is predicted to be deleterious by in silico analysis. Since supporting evidence is limited at this time, the clinical significance of this alteration remains unclear.

NM_003924.4(PHOX2B):c.22T>C (p.Tyr8His)

Genes: PHOX2B-AS1 (PHOX2B antisense RNA 1; plus strand), PHOX2B (paired like homeobox 2B; minus strand). Cytogenetic location: 4p13.
Variant type: single nucleotide variant.
Coding change: c.22T>C on transcript NM_003924.4 (MANE Select); coding-DNA position 22, T replaced by C.
Protein change: p.Tyr8His; replaces tyrosine 8 with histidine.
Molecular consequence: missense variant.
Genome position (GRCh38, 1-based): chr4:41,748,589, A>G on the plus strand (T>C on the coding strand, the complement: PHOX2B is on the minus strand). VCF-style: chr4-41748589-A-G. GRCh37 (hg19) VCF-style: chr4-41750606-A-G.
Other names: short protein forms Y8H.
Identifiers: ClinVar variation 2448121 (VCV002448121.2), dbSNP rs2552097198, ClinGen allele CA356741379.